The following is an entry in ClinVar:

ClinVar aggregate classification (germline): Uncertain significance (1 of 4 stars; one submission).

Conditions:
Neuropathy, hereditary sensory and autonomic, type 2A (HSAN2A). Also called: ACROOSTEOLYSIS, NEUROGENIC; ACROOSTEOLYSIS, GIACCAI TYPE; MORVAN DISEASE; NEUROPATHY, CONGENITAL SENSORY; NEUROPATHY, HEREDITARY SENSORY RADICULAR, AUTOSOMAL RECESSIVE; NEUROPATHY, HEREDITARY SENSORY, TYPE IIA. Identifiers: Orphanet 970, MedGen C2752089, MONDO:0024309, OMIM 201300.
Generalized epilepsy with febrile seizures plus, type 7 (GEFSP7). Also called: GEFS+, TYPE 7. Identifiers: Orphanet 36387, MedGen C2751778, MONDO:0013470, OMIM 613863.

Submission:

Labcorp Genetics (formerly Invitae), Labcorp
Classification: Uncertain significance for Neuropathy, hereditary sensory and autonomic, type 2A; Generalized epilepsy with febrile seizures plus, type 7. Last evaluated: 2017-07-29. Review status: criteria provided, single submitter. Criteria: Invitae Variant Classification Sherloc (09022015). Collection method: clinical testing. Allele origin: germline.
Comment: This variant is an in-frame deletion of the genomic region encompassing exon 23 of the SCN9A gene. It preserves the integrity of the reading frame. This variant has not been reported in the literature in individuals with SCN9A-related disease. Experimental studies and prediction algorithms are not available for this variant, and the functional significance of the deleted amino acids is currently unknown. In summary, the available evidence is currently insufficient to determine the role of this variant in disease. Therefore, it has been classified as a Variant of Uncertain Significance.

NC_000002.12:g.(?_166227650)_(166227743_?)del

Genes: SCN9A (sodium voltage-gated channel alpha subunit 9; minus strand), SCN1A-AS1 (SCN1A and SCN9A antisense RNA 1; plus strand). Cytogenetic location: 2q24.3.
Variant type: Deletion.
Identifiers: ClinVar variation 471075 (VCV000471075.1).